The following is an entry in ClinVar:

ClinVar aggregate classification (germline): Pathogenic. Review status: reviewed by expert panel (3 of 4 stars). 5 submissions from 4 submitters: Pathogenic (1). 4 of the submissions do not count toward it. Last evaluated 2025-09-05.

Conditions:
RPGR-related retinopathy. Also called: RPGR retinopathy. Identifiers: MedGen CN305589, MONDO:0100437.
Retinal dystrophy. Also called: Inherited retinal dystrophy. Identifiers: Orphanet 71862, MedGen C0854723, MeSH D058499, MONDO:0019118, HP:0000556.
Retinitis pigmentosa 3. Also called: CHOROIDORETINAL DEGENERATION WITH RETINAL REFLEX IN HETEROZYGOUS WOMEN. Identifiers: Orphanet 791, MedGen C1845667, MONDO:0010227, OMIM 300029.

Submissions (5):

ClinGen X-linked Inherited Retinal Disease Variant Curation Expert Panel, ClinGen
Classification: Pathogenic for RPGR-related retinopathy. Last evaluated: 2025-09-05. Review status: reviewed by expert panel. Criteria: ClinGen X LinkedIRD ACMG Specifications RPGR V1.0.0. Collection method: curation. Allele origin: germline. Inheritance: X-linked inheritance.
Comment: NM_001034853.2(RPGR):c.2403_2406del (p.Glu802GlyfsTer12) is a frameshift variant due to four-nucleotide deletion that introduces a premature stop codon within exon 15 of 15 that is predicted to disrupt a critical C-terminal region required for proper glutamylation of RPGR (PVS1, PMID: 36445968). This variant is absent from gnomAD v4.1.0 (PM2_Supporting). This variant has been reported in at least 2 apparently unrelated probands meeting one of the PS4 requirements of a male with some functional vision impairment by age 30 years and/or decreased or absent electroretinogram responses, or a female with functional visual abnormality and documentation of a male relative affected with retinitis pigmentosa (PMIDs: 17325176, 34745198, PS4_Supporting). In summary, this variant is classified as pathogenic for RPGR-related retinopathy based on the ClinGen X-linked Inherited Retinal Disease Expert Panel Specifications to the ACMG/AMP Variant Interpretation Guidelines for RPGR Version 1.0.0; PVS1, PS4_Supporting, and PM2_Supporting.

CeGaT Center for Human Genetics Tuebingen
Classification: Pathogenic. Last evaluated: 2025-04-01. Review status: criteria provided, single submitter. Criteria: CeGaT Center For Human Genetics Tuebingen Variant Classification Criteria Version 2. Collection method: clinical testing. Allele origin: germline. Affected: yes. Observed: 2 variant alleles. Not counted in ClinVar's aggregate classification.
Comment: RPGR: PS4, PVS1:Strong, PM2

3billion
Classification: Likely pathogenic for Retinitis pigmentosa 3. Last evaluated: 2025-03-07. Review status: criteria provided, single submitter. Criteria: ACMG Guidelines, 2015. Collection method: clinical testing. Allele origin: germline. Affected: yes. Not counted in ClinVar's aggregate classification.
Comment: The variant is not observed in the gnomAD v4.1.0 dataset. Predicted Consequence/Location: Frameshift: predicted to result in a loss or disruption of normal protein function through protein truncation. Multiple pathogenic variants are reported in the predicted truncated region. The variant has been reported at least twice as pathogenic without evidence for the classification (ClinVar ID: VCV000867143). Therefore, this variant is classified as Likely pathogenic according to the recommendation of ACMG/AMP guideline.

Blueprint Genetics
Classification: Pathogenic for Retinal dystrophy. Last evaluated: 2019-04-24. Review status: criteria provided, single submitter. Criteria: Blueprint Genetics Variant Classification Scheme. Collection method: clinical testing. Allele origin: germline. Affected: yes. Not counted in ClinVar's aggregate classification.

Blueprint Genetics
Classification: Pathogenic for Retinitis pigmentosa 3. Review status: no assertion criteria provided. Collection method: clinical testing. Allele origin: germline. Affected: yes. Not counted in ClinVar's aggregate classification.

NM_001034853.2(RPGR):c.2403_2406del (p.Glu802fs)

Gene: RPGR (retinitis pigmentosa GTPase regulator; minus strand). Cytogenetic location: Xp11.4.
Variant type: Deletion.
Coding change: c.2403_2406del on transcript NM_001034853.2 (MANE Select); coding-DNA positions 2403 to 2406, 4 bases deleted (AGAG; older notation c.2403_2406delAGAG).
Protein change: p.Glu802fs; shifts the reading frame from glutamic acid 802.
Molecular consequence: frameshift variant. On other transcripts: intron variant (8).
Genome position (GRCh38, 1-based): chrX:38,286,593-38,286,596, CTCT deleted on the plus strand (AGAG on the coding strand, the reverse complement: RPGR is on the minus strand). VCF-style (leftmost placement, unchanged base first): chrX-38286592-CCTCT-C. GRCh37 (hg19) VCF-style: chrX-38145845-CCTCT-C.
Other names: NM_001034853.2(RPGR):c.2403_2406del; p.Glu802fs; c.1569+4363_1569+4366del (NM_001367249.1, NM_001367250.1); c.1902+498_1902+501del (NM_001367245.1); c.1386+4363_1386+4366del (NM_001367251.1); c.1719+498_1719+501del (NM_001367246.1); c.1572+4363_1572+4366del (NM_001367247.1); c.1905+498_1905+501del (NM_000328.3); and 1 more; short protein forms E802fs.
Identifiers: ClinVar variation 867143 (VCV000867143.44), dbSNP rs2067183162, ClinGen allele CA916083902.
Genomic context (GRCh38, chrX:38,286,592, plus strand): 5'-TCCCCTCCTCTACTTCCCCTCCCTCTACTTCCCCTCCCTCCTCTTTTTCCTCCCCTCTCC[CCTCT>C]GTTTCCTCCTCTTCCCCCTCTCCTTGGTCTCCTTCTTCCTCTCCTTTCTCCTCCTTCCCC-3'